The following is an entry in ClinVar:

NM_139343.3(BIN1):c.380A>G (p.Asp127Gly)

Gene: BIN1 (bridging integrator 1; minus strand). Cytogenetic location: 2q14.3.
Variant type: single nucleotide variant.
Coding change: c.380A>G on transcript NM_139343.3 (MANE Select); coding-DNA position 380, A replaced by G.
Protein change: p.Asp127Gly; replaces aspartic acid 127 with glycine.
Molecular consequence: missense variant.
Genome position (GRCh38, 1-based): chr2:127,070,026, T>C on the plus strand (A>G on the coding strand, the complement: BIN1 is on the minus strand). VCF-style: chr2-127070026-T-C. GRCh37 (hg19) VCF-style: chr2-127827602-T-C.
Other names: c.380A>G, p.Asp127Gly (NM_139345.3, NM_139346.3, NM_139347.3 and 10 more transcripts); c.308A>G, p.Asp103Gly (NM_001320634.1); c.299A>G, p.Asp100Gly (NM_001320642.1); short protein forms D100G, D103G, D127G.
Identifiers: ClinVar variation 2910658 (VCV002910658.3), dbSNP rs1329715143, ClinGen allele CA348368872.
Genomic context (GRCh38, chr2:127,070,026, plus strand): 5'-CAGGGCAGATCTGCAAGTGGGTCTCTCACCTTGATGTCGGGGAACTGGCCCAGGTACGTG[T>C]CCATGGTCAGCAGCGCCTGGTCCACCAGCTTCTGGTGGTAATCCATCCACAGCAGGTCGT-3'
Protein context (NP_647593.1, residues 117-137): KLVDQALLTM[Asp127Gly]TYLGQFPDIK

ClinVar aggregate classification (germline): Uncertain significance (1 of 4 stars; one submission).

Conditions:
Myopathy, centronuclear, 2 (CNM2). Also called: MYOTUBULAR MYOPATHY, AUTOSOMAL RECESSIVE. Identifiers: Orphanet 169186, MedGen CN031787, MONDO:0009709, OMIM 255200.

Allele frequency attached by ClinVar (database versions not stated): gnomAD exomes below 0.00001; TOPMed 0.00001.
gnomAD v4.1: 1 of 1,614,084 alleles (0.000062%); highest among the groups gnomAD compares: Admixed American, 0.0017%; no homozygotes.

Submission:

Labcorp Genetics (formerly Invitae), Labcorp
Classification: Uncertain significance for Myopathy, centronuclear, 2. Last evaluated: 2022-12-10. Review status: criteria provided, single submitter. Criteria: Invitae Variant Classification Sherloc (09022015). Collection method: clinical testing. Allele origin: germline.
Comment: In summary, the available evidence is currently insufficient to determine the role of this variant in disease. Therefore, it has been classified as a Variant of Uncertain Significance. Advanced modeling of protein sequence and biophysical properties (such as structural, functional, and spatial information, amino acid conservation, physicochemical variation, residue mobility, and thermodynamic stability) performed at Invitae indicates that this missense variant is expected to disrupt BIN1 protein function. This variant has not been reported in the literature in individuals affected with BIN1-related conditions. This variant is present in population databases (no rsID available, gnomAD 0.003%). This sequence change replaces aspartic acid, which is acidic and polar, with glycine, which is neutral and non-polar, at codon 127 of the BIN1 protein (p.Asp127Gly).